The following is an entry in ClinVar:

NM_024503.5(HIVEP3):c.4121A>G (p.His1374Arg)

Gene: HIVEP3 (HIVEP zinc finger 3; minus strand). Cytogenetic location: 1p34.2.
Variant type: single nucleotide variant.
Coding change: c.4121A>G on transcript NM_024503.5 (MANE Select); coding-DNA position 4121, A replaced by G.
Protein change: p.His1374Arg; replaces histidine 1374 with arginine.
Molecular consequence: missense variant.
Genome position (GRCh38, 1-based): chr1:41,580,677, T>C on the plus strand (A>G on the coding strand, the complement: HIVEP3 is on the minus strand). VCF-style: chr1-41580677-T-C. GRCh37 (hg19) VCF-style: chr1-42046348-T-C.
Other names: c.4121A>G, p.His1374Arg (NM_001127714.3); short protein forms H1374R.
Identifiers: ClinVar variation 982626 (VCV000982626.1), dbSNP rs1644389600, ClinGen allele CA339914754.

ClinVar aggregate classification (germline): Uncertain significance (1 of 4 stars; one submission).

Conditions:
Neurodevelopmental disorder. Identifiers: MedGen C1535926, MeSH D065886, MONDO:0700092.

gnomAD v4.1: 1 of 1,612,226 alleles (0.000062%); highest among the groups gnomAD compares: Non-Finnish European, 0.000085%; no homozygotes.

Submission:

Institute of Human Genetics, University of Leipzig Medical Center
Classification: Uncertain significance for Neurodevelopmental disorder. Last evaluated: 2019-01-01. Review status: criteria provided, single submitter. Criteria: ACMG Guidelines, 2015. Collection method: clinical testing. Allele origin: unknown. Affected: no.
Comment: This variant was identified as compound heterozygous.